The following is an entry in ClinVar:

ClinVar aggregate classification (germline): Uncertain significance (1 of 4 stars; one submission).

Conditions:
Mucopolysaccharidosis, MPS-IV-B (MPS4B). Also called: Mucopolysaccharidosis type IV B; Mucopolysaccharidosis Type IVB; Mucopolysaccharidosis type IVB (Morquio); MPS IVB; MORQUIO SYNDROME B; Mucopolysaccharidosis Type IVB (Morquio B Disease). Identifiers: Orphanet 309310, Orphanet 582, MedGen C0086652, MONDO:0009660, OMIM 253010.
GM1 gangliosidosis. Identifiers: Orphanet 354, MedGen C0085131, MONDO:0018149.

Allele frequency attached by ClinVar (database versions not stated): gnomAD exomes below 0.00001; gnomAD 0.00001; TOPMed 0.00001.
gnomAD v4.1: 6 of 1,613,906 alleles (0.00037%); highest among the groups gnomAD compares: Non-Finnish European, 0.00025%; no homozygotes.

Submission:

Labcorp Genetics (formerly Invitae), Labcorp
Classification: Uncertain significance for Mucopolysaccharidosis, MPS-IV-B; GM1 gangliosidosis. Last evaluated: 2022-03-22. Review status: criteria provided, single submitter. Criteria: Invitae Variant Classification Sherloc (09022015). Collection method: clinical testing. Allele origin: germline.
Comment: This sequence change replaces serine, which is neutral and polar, with glycine, which is neutral and non-polar, at codon 427 of the GLB1 protein (p.Ser427Gly). This variant is present in population databases (no rsID available, gnomAD 0.0009%). This variant has not been reported in the literature in individuals affected with GLB1-related conditions. Advanced modeling of protein sequence and biophysical properties (such as structural, functional, and spatial information, amino acid conservation, physicochemical variation, residue mobility, and thermodynamic stability) performed at Invitae indicates that this missense variant is not expected to disrupt GLB1 protein function. In summary, the available evidence is currently insufficient to determine the role of this variant in disease. Therefore, it has been classified as a Variant of Uncertain Significance.

NM_000404.4(GLB1):c.1279A>G (p.Ser427Gly)

Gene: GLB1 (galactosidase beta 1; minus strand). Cytogenetic location: 3p22.3.
Variant type: single nucleotide variant.
Coding change: c.1279A>G on transcript NM_000404.4 (MANE Select); coding-DNA position 1279, A replaced by G.
Protein change: p.Ser427Gly; replaces serine 427 with glycine.
Molecular consequence: missense variant.
Genome position (GRCh38, 1-based): chr3:33,018,516, T>C on the plus strand (A>G on the coding strand, the complement: GLB1 is on the minus strand). VCF-style: chr3-33018516-T-C. GRCh37 (hg19) VCF-style: chr3-33060008-T-C.
Other names: c.1189A>G, p.Ser397Gly (NM_001079811.3); c.886A>G, p.Ser296Gly (NM_001135602.3); c.1423A>G, p.Ser475Gly (NM_001317040.2); c.1279A>G, p.Ser427Gly (NM_001393580.1); short protein forms S427G, S397G, S475G, S296G.
Identifiers: ClinVar variation 2195747 (VCV002195747.1), dbSNP rs979601059, ClinGen allele CA72650414.